The following is an entry in ClinVar:

NM_001291415.2(KDM6A):c.1610A>G (p.Asn537Ser)

Gene: KDM6A (lysine demethylase 6A; plus strand). Cytogenetic location: Xp11.3.
Variant type: single nucleotide variant.
Coding change: c.1610A>G on transcript NM_001291415.2 (MANE Select); coding-DNA position 1610, A replaced by G.
Protein change: p.Asn537Ser; replaces asparagine 537 with serine.
Molecular consequence: missense variant. On other transcripts: intron variant (6).
Genome position (GRCh38, 1-based): chrX:45,062,675, A>G. VCF-style: chrX-45062675-A-G. GRCh37 (hg19) VCF-style: chrX-44921920-A-G.
Other names: c.1475A>G, p.Asn492Ser (NM_001291416.2, NM_001419811.1); c.1319A>G, p.Asn440Ser (NM_001291417.2); c.566A>G, p.Asn189Ser (NM_001291421.2); c.1610A>G, p.Asn537Ser (NM_001419809.1); c.1454A>G, p.Asn485Ser (NM_001419812.1, NM_021140.4); c.1582-747A>G (NM_001419810.1, NM_001419813.1); c.1426-747A>G (NM_001419814.1, NM_001410742.1); c.1291-747A>G (NM_001419815.1, NM_001291418.2); short protein forms N189S, N440S, N485S, N492S, N537S.
Identifiers: ClinVar variation 4805393 (VCV004805393.1).

ClinVar aggregate classification (germline): Uncertain significance (1 of 4 stars; one submission).

Conditions:
Kabuki syndrome 2 (KABUK2). Also called: KDM6A-Related Kabuki Syndrome. Identifiers: Orphanet 2322, MedGen C3275495, MONDO:0010465, OMIM 300867.

gnomAD v4.1: 3 of 1,207,049 alleles (0.00025%); highest among the groups gnomAD compares: East Asian, 0.003%; no homozygotes.

Submission:

Labcorp Genetics (formerly Invitae), Labcorp
Classification: Uncertain significance for Kabuki syndrome 2. Last evaluated: 2025-08-25. Review status: criteria provided, single submitter. Criteria: Invitae Variant Classification Sherloc (09022015). Collection method: clinical testing. Allele origin: germline.
Comment: This sequence change replaces asparagine, which is neutral and polar, with serine, which is neutral and polar, at codon 485 of the KDM6A protein (p.Asn485Ser). This variant is present in population databases (rs771764815, gnomAD 0.008%). This variant has not been reported in the literature in individuals affected with KDM6A-related conditions. Invitae Evidence Modeling of protein sequence and biophysical properties (such as structural, functional, and spatial information, amino acid conservation, physicochemical variation, residue mobility, and thermodynamic stability) indicates that this missense variant is not expected to disrupt KDM6A protein function with a negative predictive value of 80%. In summary, the available evidence is currently insufficient to determine the role of this variant in disease. Therefore, it has been classified as a Variant of Uncertain Significance.